The following is an entry in ClinVar:

NM_015450.3(POT1):c.1520C>T (p.Ser507Phe)

Gene: POT1 (protection of telomeres 1; minus strand). Cytogenetic location: 7q31.33.
Variant type: single nucleotide variant.
Coding change: c.1520C>T on transcript NM_015450.3 (MANE Select); coding-DNA position 1520, C replaced by T.
Protein change: p.Ser507Phe; replaces serine 507 with phenylalanine.
Molecular consequence: missense variant. On other transcripts: non-coding transcript variant (2).
Genome position (GRCh38, 1-based): chr7:124,829,328, G>A on the plus strand (C>T on the coding strand, the complement: POT1 is on the minus strand). VCF-style: chr7-124829328-G-A. GRCh37 (hg19) VCF-style: chr7-124469382-G-A.
Other names: c.1127C>T, p.Ser376Phe (NM_001042594.2); short protein forms S507F, S376F.
Identifiers: ClinVar variation 1774416 (VCV001774416.2), dbSNP rs2485352818, ClinGen allele CA369064644.
Genomic context (GRCh38, chr7:124,829,328, plus strand): 5'-GAAGGAATCCACGATGTTTTATCAACCAGGGAATTTAGATTTTGTATGGATCTCAAACTA[G>A]AACACTGTTTACATCTGAAATTTATAAAAGAAAGAACCATAAATATTTAAAAATAATTTA-3'
Protein context (NP_056265.2, residues 497-517): TIHHYGCKQC[Ser507Phe]SLRSIQNLNS

ClinVar aggregate classification (germline): Uncertain significance (1 of 4 stars; one submission).

Conditions:
Hereditary cancer-predisposing syndrome. Also called: Hereditary Cancer Syndrome; Hereditary neoplastic syndrome; Neoplastic Syndromes, Hereditary; Tumor predisposition. Identifiers: Orphanet 140162, MedGen C0027672, MeSH D009386, MONDO:0015356.

gnomAD v4.1: 1 of 1,576,814 alleles (0.000063%); highest among the groups gnomAD compares: Non-Finnish European, 0.000087%; no homozygotes.

Submission:

Ambry Genetics
Classification: Uncertain significance for Hereditary cancer-predisposing syndrome. Last evaluated: 2022-05-13. Review status: criteria provided, single submitter. Criteria: Ambry Variant Classification Scheme 2023. Collection method: clinical testing. Allele origin: germline.
Comment: The p.S507F variant (also known as c.1520C>T), located in coding exon 12 of the POT1 gene, results from a C to T substitution at nucleotide position 1520. The serine at codon 507 is replaced by phenylalanine, an amino acid with highly dissimilar properties. This amino acid position is highly conserved in available vertebrate species. In addition, the in silico prediction for this alteration is inconclusive. Since supporting evidence is limited at this time, the clinical significance of this alteration remains unclear.